The following is an entry in ClinVar:

NM_002471.4(MYH6):c.4369G>A (p.Glu1457Lys)

Gene: MYH6 (myosin heavy chain 6; minus strand). Cytogenetic location: 14q11.2.
Variant type: single nucleotide variant.
Coding change: c.4369G>A on transcript NM_002471.4 (MANE Select); coding-DNA position 4369, G replaced by A.
Protein change: p.Glu1457Lys; replaces glutamic acid 1457 with lysine.
Molecular consequence: missense variant.
Genome position (GRCh38, 1-based): chr14:23,387,914, C>T on the plus strand (G>A on the coding strand, the complement: MYH6 is on the minus strand). VCF-style: chr14-23387914-C-T. GRCh37 (hg19) VCF-style: chr14-23857123-C-T.
Other names: short protein forms E1457K.
Identifiers: ClinVar variation 14152 (VCV000014152.32), dbSNP rs267606905, ClinGen allele CA257140.
Genomic context (GRCh38, chr14:23,387,914, plus strand): 5'-GAGCCTCCTTCTGTGAGGACTCCAGCTCAGACTGCGACTCCTCATACTTCTGCTTCCACT[C>T]GGCCAGGATCTGCCCGGGGACAAGGCTCACTCTTCAGCCCCCCAGCCTTAGCTCCCCAGC-3'
Protein context (NP_002462.2, residues 1447-1467): KQRNFDKILA[Glu1457Lys]WKQKYEESQS

ClinVar aggregate classification (germline): Uncertain significance. Review status: criteria provided, multiple submitters, no conflicts (2 of 4 stars). 8 submissions from 8 submitters: Uncertain significance (7). 1 of the submissions does not count toward it. Last evaluated 2026-04-23.

Conditions:
MYH6-related disorder. Also called: MYH6-related condition; MYH6-Related Disorders.
Cardiovascular phenotype. Identifiers: MedGen CN230736.
Dilated cardiomyopathy 1EE (CMD1EE). Identifiers: Orphanet 154, MedGen C2750466, MONDO:0013198, OMIM 613252.
Hypertrophic cardiomyopathy 14. Identifiers: MedGen C2750467, MONDO:0013197, OMIM 613251.
Sick sinus syndrome 3, susceptibility to (SSS3). Identifiers: Orphanet 166282, MedGen C3279791, MONDO:0013568, OMIM 614090.
Atrial septal defect 3 (ASD3). Identifiers: Orphanet 1478, MedGen C3279790, MONDO:0013567, OMIM 614089.
Hypertrophic cardiomyopathy 1 (CMH1). Also called: MYH7-Related Familial Hypertrophic Cardiomyopathy; Familial hypertrophic cardiomyopathy 1. Identifiers: MedGen C3495498, MONDO:0008647, OMIM 192600.
Primary familial hypertrophic cardiomyopathy (HCM). Identifiers: Orphanet 99739, MedGen C0949658, MeSH D024741, MONDO:0024573. Inheritance: Various modes of inheritance.

Allele frequency attached by ClinVar (database versions not stated): gnomAD 0.00001; gnomAD exomes 0.00001; TOPMed 0.00001; ExAC 0.00002.
gnomAD v4.1: 23 of 1,613,642 alleles (0.0014%); highest among the groups gnomAD compares: Admixed American, 0.01%; no homozygotes.

Submissions (8):

PreventionGenetics, part of Exact Sciences
Classification: Uncertain significance for MYH6-related condition. Last evaluated: 2026-04-23. Review status: criteria provided, single submitter. Criteria: ACMG Guidelines, 2015. Collection method: clinical testing. Allele origin: germline.
Comment: The MYH6 c.4369G>A variant is predicted to result in the amino acid substitution p.Glu1457Lys. This variant has been reported in individuals with dilated cardiomyopathy, hypertrophic cardiomyopathy, or sudden cardiac death (Carniel et al. 2005. PubMed ID: 15998695; Table S1, Dal Ferro et al. 2017. PubMed ID: 28416588; Larsen et al. 2020. PubMed ID: 31729605). This variant is reported in 0.0087% of alleles in individuals of Latino descent in gnomAD. At this time, the clinical significance of this variant is uncertain due to the absence of conclusive functional and genetic evidence.

Labcorp Genetics (formerly Invitae), Labcorp
Classification: Uncertain significance for Hypertrophic cardiomyopathy 14. Last evaluated: 2025-12-17. Review status: criteria provided, single submitter. Criteria: Invitae Variant Classification Sherloc (09022015). Collection method: clinical testing. Allele origin: germline.
Comment: This sequence change replaces glutamic acid, which is acidic and polar, with lysine, which is basic and polar, at codon 1457 of the MYH6 protein (p.Glu1457Lys). This variant is present in population databases (rs267606905, gnomAD 0.009%). This missense change has been observed in individual(s) with dilated cardiomyopathy (PMID: 15998695). ClinVar contains an entry for this variant (Variation ID: 14152). Invitae Evidence Modeling of protein sequence and biophysical properties (such as structural, functional, and spatial information, amino acid conservation, physicochemical variation, residue mobility, and thermodynamic stability) indicates that this missense variant is expected to disrupt MYH6 protein function with a positive predictive value of 80%. In summary, the available evidence is currently insufficient to determine the role of this variant in disease. Therefore, it has been classified as a Variant of Uncertain Significance.

Ambry Genetics
Classification: Uncertain significance for Cardiovascular phenotype. Last evaluated: 2025-06-06. Review status: criteria provided, single submitter. Criteria: Ambry Variant Classification Scheme 2023. Collection method: clinical testing. Allele origin: germline.
Comment: The p.E1457K variant (also known as c.4369G>A), located in coding exon 29 of the MYH6 gene, results from a G to A substitution at nucleotide position 4369. The glutamic acid at codon 1457 is replaced by lysine, an amino acid with similar properties. This variant has been detected in individuals reported to have dilated or hypertrophic cardiomyopathy (Carniel E et al. Circulation, 2005 Jul;112:54-9; Larsen MK et al. Int J Legal Med, 2020 Jan;134:111-121). This amino acid position is highly conserved in available vertebrate species. In addition, this alteration is predicted to be deleterious by in silico analysis. Based on the available evidence, the clinical significance of this variant remains unclear.

GeneDx
Classification: Uncertain significance. Last evaluated: 2024-02-01. Review status: criteria provided, single submitter. Criteria: GeneDx Variant Classification Process June 2021. Collection method: clinical testing. Allele origin: germline. Affected: yes.
Comment: In silico analysis supports that this missense variant has a deleterious effect on protein structure/function; This variant is associated with the following publications: (PMID: 29687901, 15998695, 25961035, 15670558, 31514951, 35621855, 24119082, 28416588, 31729605)

Fulgent Genetics
Classification: Uncertain significance for Hypertrophic cardiomyopathy 1; Hypertrophic cardiomyopathy 14; Dilated cardiomyopathy 1EE; Atrial septal defect 3; Sick sinus syndrome 3, susceptibility to. Last evaluated: 2021-10-28. Review status: criteria provided, single submitter. Criteria: ACMG Guidelines, 2015. Collection method: clinical testing. Allele origin: unknown.

Blueprint Genetics
Classification: Uncertain significance. Last evaluated: 2020-11-03. Review status: criteria provided, single submitter. Criteria: ACMG Guidelines, 2015. Collection method: clinical testing. Allele origin: germline.

Molecular Diagnostic Laboratory for Inherited Cardiovascular Disease, Montreal Heart Institute
Classification: Uncertain significance for Primary familial hypertrophic cardiomyopathy. Review status: criteria provided, single submitter. Criteria: ACMG Guidelines, 2015. Collection method: clinical testing. Allele origin: germline. Affected: yes.

OMIM
Classification: Pathogenic for CARDIOMYOPATHY, DILATED, 1EE. Last evaluated: 2005-07-05. Review status: no assertion criteria provided. Collection method: literature only. Allele origin: germline. Not counted in ClinVar's aggregate classification.

Literature cited by the submitters: PubMed 15998695 (cited by 3 submitters); PubMed 31729605 (cited by Ambry Genetics).